The following is an entry in ClinVar:

NM_001250.6(CD40):c.256+2T>C

Gene: CD40 (CD40 molecule; plus strand). Cytogenetic location: 20q13.12.
Variant type: single nucleotide variant.
Coding change: c.256+2T>C on transcript NM_001250.6 (MANE Select); the canonical splice donor site of the intron after coding-DNA position 256, T replaced by C.
Molecular consequence: splice donor variant.
Genome position (GRCh38, 1-based): chr20:46,122,360, T>C. VCF-style: chr20-46122360-T-C. GRCh37 (hg19) VCF-style: chr20-44750999-T-C.
Other names: c.256+2T>C (NM_001302753.2, NM_001322421.2, NM_001362758.2 and 3 more transcripts).
Identifiers: ClinVar variation 439466 (VCV000439466.12), dbSNP rs774195387, ClinGen allele CA9888401.
Genomic context (GRCh38, chr20:46,122,360, plus strand): 5'-ATTCCTAGACACCTGGAACAGAGAGACACACTGCCACCAGCACAAATACTGCGACCCCAG[T>C]GCGTGCGCTGTTGGGAAAGGGACGCTTGGGAACCGGGCTGATATTCCCGACAATGCAGCC-3'

ClinVar aggregate classification (germline): Conflicting classifications of pathogenicity. Review status: criteria provided, conflicting classifications (1 of 4 stars). 4 submissions from 4 submitters: Pathogenic (3); Uncertain significance (1). Last evaluated 2024-09-10.

Conditions:
Hyper-IgM syndrome type 1. Also called: CD40 Ligand Deficiency; X-linked hyper-IgM syndrome; Immunodeficiency, X-linked, with hyper-IgM; Hyper-IgM Immunodeficiency Syndrome, Type 1. Identifiers: Orphanet 101088, MedGen C0398689, MONDO:0010626, OMIM 308230.
Hyper-IgM syndrome type 3. Also called: Hyper-IgM Immunodeficiency Syndrome, Type 3. Identifiers: Orphanet 101090, MedGen C1720957, MONDO:0011735, OMIM 606843.

Allele frequency attached by ClinVar (database versions not stated): gnomAD exomes below 0.00001; ExAC 0.00001.
gnomAD v4.1: 2 of 1,614,186 alleles (0.00012%); highest among the groups gnomAD compares: South Asian, 0.0011%; no homozygotes.

Submissions (4):

Women's Health and Genetics/Laboratory Corporation of America, LabCorp
Classification: Pathogenic for Hyper-IgM syndrome type 3. Last evaluated: 2024-09-10. Review status: criteria provided, single submitter. Criteria: LabCorp Variant Classification Summary - May 2015. Collection method: clinical testing. Allele origin: germline.
Comment: Variant summary: CD40 c.256+2T>C is located in a canonical splice-site and is predicted to affect mRNA splicing resulting in a significantly altered protein due to either exon skipping, shortening, or inclusion of intronic material. Variants that disrupt the consensus splice site are a relatively common cause of aberrant splicing and loss of CD40 function. Several computational tools predict a significant impact on normal splicing: Two predict the variant abolishes a 5' splicing donor site. One publication reports experimental evidence that this variant results in exon 3 skipping, confirmed by Western blot and sequencing of cDNA from homozygous patients carrying the variant (e.g. Al-Saud_2013). The variant allele was found at a frequency of 4e-06 in 251042 control chromosomes. c.256+2T>C has been reported in the literature in multiple homozygous individuals affected with Hyper IgM Syndrome Type 3 (e.g. Al-Saud_2013). These data indicate that the variant is very likely to be associated with disease. The following publication has been ascertained in the context of this evaluation (PMID: 29884852). ClinVar contains an entry for this variant (Variation ID: 439466). Based on the evidence outlined above, the variant was classified as pathogenic.

Genomic Medicine Center of Excellence, King Faisal Specialist Hospital and Research Centre
Classification: Uncertain significance for Immunodeficiency, X-linked, with hyper-IgM. Last evaluated: 2024-03-14. Review status: criteria provided, single submitter. Criteria: ACMG Guidelines, 2015. Collection method: clinical testing. Allele origin: germline.

Baylor Genetics
Classification: Pathogenic for Hyper-IgM syndrome type 3. Last evaluated: 2020-06-08. Review status: criteria provided, single submitter. Criteria: ACMG Guidelines, 2015. Collection method: clinical testing. Allele origin: unknown. Affected: yes.
Comment: This variant was determined to be pathogenic according to ACMG Guidelines, 2015 [PMID:25741868].

ARUP Laboratories, Molecular Genetics and Genomics, ARUP Laboratories
Classification: Pathogenic. Last evaluated: 2017-03-08. Review status: criteria provided, single submitter. Criteria: ARUP Molecular Germline Variant Investigation Process. Collection method: clinical testing. Allele origin: germline.

Literature cited by the submitters: PubMed 29884852 (cited by Women's Health and Genetics/Laboratory Corporation of America, LabCorp).